The following is an entry in ClinVar:

NM_012208.4(HARS2):c.1270G>A (p.Glu424Lys)

Gene: HARS2 (histidyl-tRNA synthetase 2, mitochondrial; plus strand). Cytogenetic location: 5q31.3.
Variant type: single nucleotide variant.
Coding change: c.1270G>A on transcript NM_012208.4 (MANE Select); coding-DNA position 1270, G replaced by A.
Protein change: p.Glu424Lys; replaces glutamic acid 424 with lysine.
Molecular consequence: missense variant.
Genome position (GRCh38, 1-based): chr5:140,697,641, G>A. VCF-style: chr5-140697641-G-A. GRCh37 (hg19) VCF-style: chr5-140077226-G-A.
Other names: c.1195G>A, p.Glu399Lys (NM_001278731.2); c.838G>A, p.Glu280Lys (NM_001278732.2); c.1288G>A, p.Glu430Lys (NM_001363535.2); c.1060G>A, p.Glu354Lys (NM_001363536.2); short protein forms E280K, E354K, E399K, E424K, E430K.
Identifiers: ClinVar variation 3600808 (VCV003600808.1).

ClinVar aggregate classification (germline): Uncertain significance (1 of 4 stars; one submission).

gnomAD v4.1: 1 of 1,613,958 alleles (0.000062%); highest among the groups gnomAD compares: Non-Finnish European, 0.000085%; no homozygotes.

Submission:

GeneDx
Classification: Uncertain significance. Last evaluated: 2024-07-24. Review status: criteria provided, single submitter. Criteria: GeneDx Variant Classification Process June 2021. Collection method: clinical testing. Allele origin: germline. Affected: yes.
Comment: Not observed at significant frequency in large population cohorts (gnomAD); In silico analysis supports that this missense variant has a deleterious effect on protein structure/function; Has not been previously published as pathogenic or benign to our knowledge